The following is an entry in ClinVar:

NM_001130009.3(GEN1):c.1537C>T (p.Pro513Ser)

Gene: GEN1 (GEN1 structure-specific endonuclease; plus strand). Cytogenetic location: 2p24.2.
Variant type: single nucleotide variant.
Coding change: c.1537C>T on transcript NM_001130009.3 (MANE Select); coding-DNA position 1537, C replaced by T.
Protein change: p.Pro513Ser; replaces proline 513 with serine.
Molecular consequence: missense variant.
Genome position (GRCh38, 1-based): chr2:17,780,749, C>T. VCF-style: chr2-17780749-C-T. GRCh37 (hg19) VCF-style: chr2-17962016-C-T.
Other names: c.1537C>T, p.Pro513Ser (NM_182625.5); c.1537C>T (NM_001130009.1); short protein forms P513S.
Identifiers: ClinVar variation 860179 (VCV000860179.12), dbSNP rs769165697, ClinGen allele CA1540791.

ClinVar aggregate classification (germline): Uncertain significance. Review status: criteria provided, multiple submitters, no conflicts (2 of 4 stars). 2 submissions from 2 submitters: Uncertain significance (2). Last evaluated 2024-12-01.

Allele frequency attached by ClinVar (database versions not stated): gnomAD 0.00001; TOPMed 0.00002.
gnomAD v4.1: 2 of 1,613,794 alleles (0.00012%); highest among the groups gnomAD compares: African/African-American, 0.0013%; no homozygotes.

Submissions (2):

Ambry Genetics
Classification: Uncertain significance. Last evaluated: 2024-12-01. Review status: criteria provided, single submitter. Criteria: Ambry Variant Classification Scheme 2023. Collection method: clinical testing. Allele origin: germline.
Comment: The p.P513S variant (also known as c.1537C>T), located in coding exon 13 of the GEN1 gene, results from a C to T substitution at nucleotide position 1537. The proline at codon 513 is replaced by serine, an amino acid with similar properties. This amino acid position is conserved. In addition, this alteration is predicted to be tolerated by in silico analysis. Based on the available evidence, the clinical significance of this variant remains unclear.

Labcorp Genetics (formerly Invitae), Labcorp
Classification: Uncertain significance. Last evaluated: 2024-10-08. Review status: criteria provided, single submitter. Criteria: Invitae Variant Classification Sherloc (09022015). Collection method: clinical testing. Allele origin: germline.
Comment: This sequence change replaces proline, which is neutral and non-polar, with serine, which is neutral and polar, at codon 513 of the GEN1 protein (p.Pro513Ser). This variant is present in population databases (rs769165697, gnomAD 0.008%). This variant has not been reported in the literature in individuals affected with GEN1-related conditions. ClinVar contains an entry for this variant (Variation ID: 860179). An algorithm developed to predict the effect of missense changes on protein structure and function outputs the following: PolyPhen-2: "Benign". The serine amino acid residue is found in multiple mammalian species, which suggests that this missense change does not adversely affect protein function. In summary, the available evidence is currently insufficient to determine the role of this variant in disease. Therefore, it has been classified as a Variant of Uncertain Significance.